The following is an entry in ClinVar:

NM_177438.3(DICER1):c.917_918del (p.Cys306fs)

Gene: DICER1 (dicer 1, ribonuclease III; minus strand). Cytogenetic location: 14q32.13.
Variant type: Deletion.
Coding change: c.917_918del on transcript NM_177438.3 (MANE Select); coding-DNA positions 917 to 918, 2 bases deleted (GT; older notation c.917_918delGT).
Protein change: p.Cys306fs; shifts the reading frame from cysteine 306.
Molecular consequence: frameshift variant. On other transcripts: 5 prime UTR variant (1), non-coding transcript variant (6).
Genome position (GRCh38, 1-based): chr14:95,124,654-95,124,655, AC deleted on the plus strand (GT on the coding strand, the reverse complement: DICER1 is on the minus strand); deleting any 2 consecutive bases within chr14:95,124,654-95,124,656 gives the same sequence; the c. name uses the placement nearest the transcript's 3' end. VCF-style (leftmost placement, unchanged base first): chr14-95124653-GAC-G. GRCh37 (hg19) VCF-style: chr14-95590990-GAC-G.
Other names: c.917_918del, p.Cys306fs (NM_001195573.1, NM_001271282.3, NM_001291628.2 and 14 more transcripts); c.916_917delTG, p.Cys306Serfs (NM_001395681.1); c.635_636del, p.Cys212fs (NM_001395686.1); c.512_513del, p.Cys171fs (NM_001395687.1, NM_001395688.1, NM_001395689.1 and 3 more transcripts); c.350_351del, p.Cys117fs (NM_001395691.1); c.-652_-651del (NM_001395697.1); short protein forms C117fs, C171fs, C306fs, C212fs.
Identifiers: ClinVar variation 2056201 (VCV002056201.4), dbSNP rs2543187841, ClinGen allele CA2580089165.

ClinVar aggregate classification (germline): Pathogenic (1 of 4 stars; one submission).

Conditions:
DICER1-related tumor predisposition. Also called: DICER1-related pleuropulmonary blastoma cancer predisposition syndrome; DICER1 syndrome. Identifiers: Orphanet 284343, MedGen C3839822, MONDO:0100216.

Submission:

Labcorp Genetics (formerly Invitae), Labcorp
Classification: Pathogenic for DICER1-related tumor predisposition. Last evaluated: 2024-11-24. Review status: criteria provided, single submitter. Criteria: Invitae Variant Classification Sherloc (09022015). Collection method: clinical testing. Allele origin: germline.
Comment: This sequence change creates a premature translational stop signal (p.Cys306Serfs*14) in the DICER1 gene. It is expected to result in an absent or disrupted protein product. Loss-of-function variants in DICER1 are known to be pathogenic (PMID: 19556464, 21266384). This variant is not present in population databases (gnomAD no frequency). This variant has not been reported in the literature in individuals affected with DICER1-related conditions. ClinVar contains an entry for this variant (Variation ID: 2056201). For these reasons, this variant has been classified as Pathogenic.

Literature cited by the submitters: PubMed 19556464; PubMed 21266384.